The following is an entry in ClinVar:

ClinVar aggregate classification (germline): Benign/Likely benign. Review status: criteria provided, multiple submitters, no conflicts (2 of 4 stars). 6 submissions from 6 submitters: Benign (3); Likely benign (2). 1 of the submissions does not count toward it. Last evaluated 2026-02-03.

Conditions:
SDHA-related disorder. Also called: SDHA-related condition; SDHA-related disorders.
Mitochondrial complex II deficiency, nuclear type 1. Also called: SUCCINATE CoQ REDUCTASE DEFICIENCY. Identifiers: Orphanet 3208, MedGen C5700310, MONDO:0100294, OMIM 252011.
Pheochromocytoma/paraganglioma syndrome 5. Also called: Paragangliomas 5; SDHA-Related Hereditary Paraganglioma-Pheochromocytoma Syndrome. Identifiers: Orphanet 29072, MedGen C3279992, MONDO:0013602, OMIM 614165.
Hereditary cancer-predisposing syndrome. Also called: Hereditary Cancer Syndrome; Hereditary neoplastic syndrome; Neoplastic Syndromes, Hereditary; Tumor predisposition. Identifiers: Orphanet 140162, MedGen C0027672, MeSH D009386, MONDO:0015356.

Allele frequency attached by ClinVar (database versions not stated): gnomAD exomes 0.00005; ExAC 0.00006; gnomAD 0.00015 and 0.00017; TOPMed 0.00020; ESP Exome Variant Server 0.00031.
gnomAD v4.1: 55 of 1,614,056 alleles (0.0034%); highest among the groups gnomAD compares: African/African-American, 0.071%; no homozygotes.

Submissions (6):

Labcorp Genetics (formerly Invitae), Labcorp
Classification: Likely benign for Pheochromocytoma/paraganglioma syndrome 5; Mitochondrial complex II deficiency, nuclear type 1. Last evaluated: 2026-02-03. Review status: criteria provided, single submitter. Criteria: Invitae Variant Classification Sherloc (09022015). Collection method: clinical testing. Allele origin: germline.

Myriad Genetics, Inc.
Classification: Benign for Pheochromocytoma/paraganglioma syndrome 5. Last evaluated: 2025-03-04. Review status: criteria provided, single submitter. Criteria: Myriad Autosomal Dominant, Autosomal Recessive and X-Linked Classification Criteria (2023). Collection method: clinical testing. Allele origin: unknown.
Comment: This variant is considered benign. This variant is a silent/synonymous amino acid change and it is not expected to impact splicing.

Sema4
Classification: Benign for Hereditary cancer-predisposing syndrome. Last evaluated: 2021-12-23. Review status: criteria provided, single submitter. Criteria: Sema4 Curation Guidelines. Collection method: curation. Allele origin: germline.

Quest Diagnostics Nichols Institute San Juan Capistrano
Classification: Benign. Last evaluated: 2021-07-16. Review status: criteria provided, single submitter. Criteria: Quest Diagnostics criteria. Collection method: clinical testing. Allele origin: unknown.

Ambry Genetics
Classification: Likely benign for Hereditary cancer-predisposing syndrome. Last evaluated: 2016-03-25. Review status: criteria provided, single submitter. Criteria: Ambry Variant Classification Scheme 2023. Collection method: clinical testing. Allele origin: germline.

PreventionGenetics, part of Exact Sciences
Classification: Likely benign for SDHA-related condition. Last evaluated: 2023-01-05. Review status: no assertion criteria provided. Collection method: clinical testing. Allele origin: germline. Not counted in ClinVar's aggregate classification.
Comment: This variant is classified as likely benign based on ACMG/AMP sequence variant interpretation guidelines (Richards et al. 2015 PMID: 25741868, with internal and published modifications).

NM_004168.4(SDHA):c.918C>G (p.Leu306=)

Gene: SDHA (succinate dehydrogenase complex flavoprotein subunit A; plus strand). Cytogenetic location: 5p15.33.
Variant type: single nucleotide variant.
Coding change: c.918C>G on transcript NM_004168.4 (MANE Select); coding-DNA position 918, C replaced by G.
Protein change: p.Leu306=; no amino-acid change (leucine 306 retained).
Molecular consequence: synonymous variant.
Genome position (GRCh38, 1-based): chr5:233,499, C>G. VCF-style: chr5-233499-C-G. GRCh37 (hg19) VCF-style: chr5-233614-C-G.
Other names: c.774C>G, p.Leu258= (NM_001294332.2); c.918C>G, p.Leu306= (NM_001330758.2).
Identifiers: ClinVar variation 252911 (VCV000252911.20), dbSNP rs138828792, ClinGen allele CA3173039.